The following is an entry in ClinVar:

NM_000258.3(MYL3):c.505G>A (p.Val169Met)

Gene: MYL3 (myosin light chain 3; minus strand). Cytogenetic location: 3p21.31.
Variant type: single nucleotide variant.
Coding change: c.505G>A on transcript NM_000258.3 (MANE Select); coding-DNA position 505, G replaced by A.
Protein change: p.Val169Met; replaces valine 169 with methionine.
Molecular consequence: missense variant.
Genome position (GRCh38, 1-based): chr3:46,858,438, C>T on the plus strand (G>A on the coding strand, the complement: MYL3 is on the minus strand). VCF-style: chr3-46858438-C-T. GRCh37 (hg19) VCF-style: chr3-46899928-C-T.
Other names: c.505G>A, p.Val169Met (NM_001406937.1, NM_001406938.1, NM_001406939.1); c.331G>A, p.Val111Met (NM_001406940.1); c.316G>A, p.Val106Met (NM_001406941.1); short protein forms V106M, V169M, V111M.
Identifiers: ClinVar variation 2110716 (VCV002110716.4), dbSNP rs2544963107, ClinGen allele CA352495537.

ClinVar aggregate classification (germline): Uncertain significance (1 of 4 stars; one submission).

Conditions:
Hypertrophic cardiomyopathy. Also called: HYPERTROPHIC MYOCARDIOPATHY. Identifiers: Orphanet 217569, MedGen C0007194, MeSH D002312, MONDO:0005045, HP:0001639.

Submission:

Labcorp Genetics (formerly Invitae), Labcorp
Classification: Uncertain significance for Hypertrophic cardiomyopathy. Last evaluated: 2022-04-16. Review status: criteria provided, single submitter. Criteria: Invitae Variant Classification Sherloc (09022015). Collection method: clinical testing. Allele origin: germline.
Comment: In summary, the available evidence is currently insufficient to determine the role of this variant in disease. Therefore, it has been classified as a Variant of Uncertain Significance. Algorithms developed to predict the effect of missense changes on protein structure and function are either unavailable or do not agree on the potential impact of this missense change (SIFT: "Deleterious"; PolyPhen-2: "Probably Damaging"; Align-GVGD: "Class C0"). This missense change has been observed in individual(s) with clinical features of hypertrophic cardiomyopathy (Invitae). This variant is not present in population databases (gnomAD no frequency). This sequence change replaces valine, which is neutral and non-polar, with methionine, which is neutral and non-polar, at codon 169 of the MYL3 protein (p.Val169Met).